The following is an entry in ClinVar:

NM_015001.3(SPEN):c.1309A>G (p.Thr437Ala)

Gene: SPEN (spen family transcriptional repressor; plus strand). Cytogenetic location: 1p36.13.
Variant type: single nucleotide variant.
Coding change: c.1309A>G on transcript NM_015001.3 (MANE Select); coding-DNA position 1309, A replaced by G.
Protein change: p.Thr437Ala; replaces threonine 437 with alanine.
Molecular consequence: missense variant.
Genome position (GRCh38, 1-based): chr1:15,916,193, A>G. VCF-style: chr1-15916193-A-G. GRCh37 (hg19) VCF-style: chr1-16242688-A-G.
Other names: short protein forms T437A.
Identifiers: ClinVar variation 2577769 (VCV002577769.2), dbSNP rs2523045729, ClinGen allele CA338615213.

ClinVar aggregate classification (germline): Uncertain significance (1 of 4 stars; one submission).

Submission:

GeneDx
Classification: Uncertain significance. Last evaluated: 2024-11-04. Review status: criteria provided, single submitter. Criteria: GeneDx Variant Classification Process June 2021. Collection method: clinical testing. Allele origin: germline.
Comment: Not observed at significant frequency in large population cohorts (gnomAD); In silico analysis supports that this missense variant has a deleterious effect on protein structure/function; Has not been previously published as pathogenic or benign to our knowledge